The following is an entry in ClinVar:

ClinVar aggregate classification (germline): Uncertain significance (1 of 4 stars; one submission).

Allele frequency attached by ClinVar (database versions not stated): gnomAD exomes below 0.00001; TOPMed below 0.00001.
gnomAD v4.1: 2 of 1,614,262 alleles (0.00012%); highest among the groups gnomAD compares: Non-Finnish European, 0.00017%; no homozygotes.

Submission:

GeneDx
Classification: Uncertain significance. Last evaluated: 2019-05-30. Review status: criteria provided, single submitter. Criteria: GeneDx Variant Classification Process June 2021. Collection method: clinical testing. Allele origin: germline. Affected: yes.
Comment: Not observed in large population cohorts (Lek et al., 2016); In silico analysis, which includes protein predictors and evolutionary conservation, supports that this variant does not alter protein structure/function; Has not been previously published as pathogenic or benign to our knowledge

NM_015346.4(ZFYVE26):c.7412A>G (p.Asn2471Ser)

Gene: ZFYVE26 (zinc finger FYVE-type containing 26; minus strand). Cytogenetic location: 14q24.1.
Variant type: single nucleotide variant.
Coding change: c.7412A>G on transcript NM_015346.4 (MANE Select); coding-DNA position 7412, A replaced by G.
Protein change: p.Asn2471Ser; replaces asparagine 2471 with serine.
Molecular consequence: missense variant.
Genome position (GRCh38, 1-based): chr14:67,751,056, T>C on the plus strand (A>G on the coding strand, the complement: ZFYVE26 is on the minus strand). VCF-style: chr14-67751056-T-C. GRCh37 (hg19) VCF-style: chr14-68217773-T-C.
Other names: short protein forms N2471S.
Identifiers: ClinVar variation 1306147 (VCV001306147.2), dbSNP rs2038625442, ClinGen allele CA390157665.